The following is an entry in ClinVar:

ClinVar aggregate classification (germline): Uncertain significance (1 of 4 stars; one submission).

Allele frequency attached by ClinVar (database versions not stated): gnomAD exomes below 0.00001; ExAC 0.00001; gnomAD 0.00001; TOPMed 0.00002.
gnomAD v4.1: 9 of 1,613,852 alleles (0.00056%); highest among the groups gnomAD compares: South Asian, 0.0022%; no homozygotes.

Submission:

Labcorp Genetics (formerly Invitae), Labcorp
Classification: Uncertain significance. Last evaluated: 2025-10-05. Review status: criteria provided, single submitter. Criteria: Invitae Variant Classification Sherloc (09022015). Collection method: clinical testing. Allele origin: germline.
Comment: This sequence change replaces threonine, which is neutral and polar, with methionine, which is neutral and non-polar, at codon 66 of the SULF1 protein (p.Thr66Met). This variant is present in population databases (rs772952218, gnomAD 0.003%). This variant has not been reported in the literature in individuals affected with SULF1-related conditions. ClinVar contains an entry for this variant (Variation ID: 1437667). An algorithm developed to predict the effect of missense changes on protein structure and function (PolyPhen-2) suggests that this variant is likely to be disruptive. In summary, the available evidence is currently insufficient to determine the role of this variant in disease. Therefore, it has been classified as a Variant of Uncertain Significance.

NM_001128205.2(SULF1):c.197C>T (p.Thr66Met)

Gene: SULF1 (sulfatase 1; plus strand). Cytogenetic location: 8q13.2.
Variant type: single nucleotide variant.
Coding change: c.197C>T on transcript NM_001128205.2 (MANE Select); coding-DNA position 197, C replaced by T.
Protein change: p.Thr66Met; replaces threonine 66 with methionine.
Molecular consequence: missense variant. On other transcripts: non-coding transcript variant (2).
Genome position (GRCh38, 1-based): chr8:69,575,994, C>T. VCF-style: chr8-69575994-C-T. GRCh37 (hg19) VCF-style: chr8-70488229-C-T.
Other names: c.197C>T, p.Thr66Met (NM_001128204.2, NM_001128206.2, NM_015170.3); short protein forms T66M.
Identifiers: ClinVar variation 1437667 (VCV001437667.7), dbSNP rs772952218, ClinGen allele CA4775514.